The following is an entry in ClinVar:

ClinVar aggregate classification (germline): Uncertain significance (1 of 4 stars; one submission).

Conditions:
Congenital contractural arachnodactyly (CCA). Also called: BEALS SYNDROME; Beals-Hecht syndrome; Arthrogryposis, distal, type 9. Identifiers: Orphanet 115, MedGen C0220668, MONDO:0007363, OMIM 121050.

Submission:

Labcorp Genetics (formerly Invitae), Labcorp
Classification: Uncertain significance for Congenital contractural arachnodactyly. Last evaluated: 2024-06-17. Review status: criteria provided, single submitter. Criteria: Invitae Variant Classification Sherloc (09022015). Collection method: clinical testing. Allele origin: germline.
Comment: This sequence change replaces aspartic acid, which is acidic and polar, with valine, which is neutral and non-polar, at codon 1277 of the FBN2 protein (p.Asp1277Val). This variant is not present in population databases (gnomAD no frequency). This missense change has been observed in individual(s) with clinical features of FBN2-related conditions (PMID: 30029678). Advanced modeling of protein sequence and biophysical properties (such as structural, functional, and spatial information, amino acid conservation, physicochemical variation, residue mobility, and thermodynamic stability) performed at Invitae indicates that this missense variant is expected to disrupt FBN2 protein function with a positive predictive value of 80%. In summary, the available evidence is currently insufficient to determine the role of this variant in disease. Therefore, it has been classified as a Variant of Uncertain Significance.

Literature cited by the submitters: PubMed 30029678.

NM_001999.4(FBN2):c.3830A>T (p.Asp1277Val)

Gene: FBN2 (fibrillin 2; minus strand). Cytogenetic location: 5q23.3.
Variant type: single nucleotide variant.
Coding change: c.3830A>T on transcript NM_001999.4 (MANE Select); coding-DNA position 3830, A replaced by T.
Protein change: p.Asp1277Val; replaces aspartic acid 1277 with valine.
Molecular consequence: missense variant.
Genome position (GRCh38, 1-based): chr5:128,335,472, T>A on the plus strand (A>T on the coding strand, the complement: FBN2 is on the minus strand). VCF-style: chr5-128335472-T-A. GRCh37 (hg19) VCF-style: chr5-127671164-T-A.
Other names: short protein forms D1277V.
Identifiers: ClinVar variation 2907363 (VCV002907363.3), dbSNP rs2479801673, ClinGen allele CA360757927.